The following is an entry in ClinVar:

NM_017612.5(ZCCHC8):c.1614C>A (p.Asn538Lys)

Gene: ZCCHC8 (zinc finger CCHC-type containing 8; minus strand). Cytogenetic location: 12q24.31.
Variant type: single nucleotide variant.
Coding change: c.1614C>A on transcript NM_017612.5 (MANE Select); coding-DNA position 1614, C replaced by A.
Protein change: p.Asn538Lys; replaces asparagine 538 with lysine.
Molecular consequence: missense variant.
Genome position (GRCh38, 1-based): chr12:122,474,007, G>T on the plus strand (C>A on the coding strand, the complement: ZCCHC8 is on the minus strand). VCF-style: chr12-122474007-G-T. GRCh37 (hg19) VCF-style: chr12-122958554-G-T.
Other names: c.1383C>A, p.Asn461Lys (NM_001350935.2); c.1317C>A, p.Asn439Lys (NM_001350936.2); c.900C>A, p.Asn300Lys (NM_001350937.2, NM_001350938.2); short protein forms N538K, N300K, N439K, N461K.
Identifiers: ClinVar variation 4746420 (VCV004746420.1).
Genomic context (GRCh38, chr12:122,474,007, plus strand): 5'-AGGTGATGAGGCAACGGAATTGCCAGTTAAAGGTGTGTCCACAGGAACGTCGGAGTCGCT[G>T]TTTACGCTCTCGGCCTGCTCAAGAGCTGCCCAGATCCGCCTCTGCTGTTCTTCAAGTTCT-3'
Protein context (NP_060082.2, residues 528-548): WAALEQAESV[Asn538Lys]SDSDVPVDTP

ClinVar aggregate classification (germline): Uncertain significance (1 of 4 stars; one submission).

gnomAD v4.1: 1 of 1,566,894 alleles (0.000064%); highest among the groups gnomAD compares: South Asian, 0.0012%; no homozygotes.

Submission:

Labcorp Genetics (formerly Invitae), Labcorp
Classification: Uncertain significance. Last evaluated: 2025-08-29. Review status: criteria provided, single submitter. Criteria: Invitae Variant Classification Sherloc (09022015). Collection method: clinical testing. Allele origin: germline.
Comment: This sequence change replaces asparagine, which is neutral and polar, with lysine, which is basic and polar, at codon 538 of the ZCCHC8 protein (p.Asn538Lys). This variant is present in population databases (rs774874028, gnomAD 0.005%). This variant has not been reported in the literature in individuals affected with ZCCHC8-related conditions. Invitae Evidence Modeling of protein sequence and biophysical properties (such as structural, functional, and spatial information, amino acid conservation, physicochemical variation, residue mobility, and thermodynamic stability) indicates that this missense variant is expected to disrupt ZCCHC8 protein function with a positive predictive value of 80%. In summary, the available evidence is currently insufficient to determine the role of this variant in disease. Therefore, it has been classified as a Variant of Uncertain Significance.